The following is an entry in ClinVar:

NM_000142.5(FGFR3):c.1945A>G (p.Lys649Glu)

Gene: FGFR3 (fibroblast growth factor receptor 3; plus strand). Cytogenetic location: 4p16.3.
Variant type: single nucleotide variant.
Coding change: c.1945A>G on transcript NM_000142.5 (MANE Select); coding-DNA position 1945, A replaced by G.
Protein change: p.Lys649Glu; replaces lysine 649 with glutamic acid.
Molecular consequence: missense variant. On other transcripts: non-coding transcript variant (1).
Genome position (GRCh38, 1-based): chr4:1,806,159, A>G. VCF-style: chr4-1806159-A-G. GRCh37 (hg19) VCF-style: chr4-1807886-A-G.
Other names: c.1951A>G, p.Lys651Glu (NM_001163213.2); c.1948A>G, p.Lys650Glu (NM_001354809.2, NM_001354810.2); c.1609A>G, p.Lys537Glu (NM_022965.4); short protein forms K537E, K649E, K650E, K651E.
Identifiers: ClinVar variation 4857792 (VCV004857792.1).

ClinVar aggregate classification (germline): Uncertain significance (1 of 4 stars; one submission).

Conditions:
FGFR3-related chondrodysplasia. Identifiers: Orphanet 93420, MedGen C5681604, MONDO:0019685.

gnomAD v4.1: 1 of 1,613,022 alleles (0.000062%); no homozygotes.

Submission:

Genomenon, Inc
Classification: Uncertain significance for FGFR3-related chondrodysplasia. Last evaluated: 2026-06-23. Review status: criteria provided, single submitter. Criteria: Genomenon Sequence Variant Interpretation Standards - Updated. Collection method: curation. Allele origin: germline. Affected: no.
Comment: FGFR3 p.Lys649Glu (c.1945A>G) is a missense variant that changes the amino acid at codon 649 from Lysine to Glutamic acid. This variant has been reported in the published literature (PMID:8754806;18566589). This variant is located in a mutational hotspot and/or important functional domain. It is absent or not present at a significant frequency in gnomAD. In silico models predict that this variant is possibly or probably damaging. In conclusion, we classify FGFR3 p.Lys649Glu (c.1945A>G) as a variant of uncertain significance.

Literature cited by the submitters: PubMed 8754806; PubMed 18566589.